The following is an entry in ClinVar:

ClinVar aggregate classification (germline): Benign/Likely benign. Review status: criteria provided, multiple submitters, no conflicts (2 of 4 stars). 3 submissions from 3 submitters: Benign (1); Likely benign (2). Last evaluated 2026-01-18.

Conditions:
BAP1-related tumor predisposition syndrome (TPDS1). Also called: COMMON Syndrome; TUMOR PREDISPOSITION SYNDROME 1; BAP1 tumor predisposition syndrome; Tumor susceptibility linked to germline BAP1 mutations. Identifiers: Orphanet 289539, MedGen C3280492, MONDO:0013692, OMIM 614327.
Hereditary cancer-predisposing syndrome. Also called: Hereditary neoplastic syndrome; Tumor predisposition; Neoplastic Syndromes, Hereditary; Hereditary Cancer Syndrome. Identifiers: Orphanet 140162, MedGen C0027672, MeSH D009386, MONDO:0015356.

gnomAD v4.1: 1 of 1,612,782 alleles (0.000062%); highest among the groups gnomAD compares: Non-Finnish European, 0.000085%; no homozygotes.

Submissions (3):

Ambry Genetics
Classification: Likely benign for Hereditary cancer-predisposing syndrome. Last evaluated: 2026-01-18. Review status: criteria provided, single submitter. Criteria: Ambry Variant Classification Scheme 2023. Collection method: clinical testing. Allele origin: germline.

Myriad Genetics, Inc.
Classification: Benign for BAP1-related tumor predisposition syndrome. Last evaluated: 2024-07-11. Review status: criteria provided, single submitter. Criteria: Myriad Autosomal Dominant, Autosomal Recessive and X-Linked Classification Criteria (2023). Collection method: clinical testing. Allele origin: unknown.
Comment: This variant is considered benign. This variant is a silent/synonymous amino acid change and it is not expected to impact splicing.

Labcorp Genetics (formerly Invitae), Labcorp
Classification: Likely benign for BAP1-related tumor predisposition syndrome. Last evaluated: 2024-07-02. Review status: criteria provided, single submitter. Criteria: Invitae Variant Classification Sherloc (09022015). Collection method: clinical testing. Allele origin: germline.

NM_004656.4(BAP1):c.291G>A (p.Leu97=)

Gene: BAP1 (BRCA1 associated deubiquitinase 1; minus strand). Cytogenetic location: 3p21.1.
Variant type: single nucleotide variant.
Coding change: c.291G>A on transcript NM_004656.4 (MANE Select); coding-DNA position 291, G replaced by A.
Protein change: p.Leu97=; no amino-acid change (leucine 97 retained).
Molecular consequence: synonymous variant.
Genome position (GRCh38, 1-based): chr3:52,408,042, C>T on the plus strand (G>A on the coding strand, the complement: BAP1 is on the minus strand). VCF-style: chr3-52408042-C-T. GRCh37 (hg19) VCF-style: chr3-52442058-C-T.
Other names: c.291G>A, p.Leu97= (NM_001410772.1).
Identifiers: ClinVar variation 3379162 (VCV003379162.4).